The following is an entry in ClinVar:

NM_005458.8(GABBR2):c.1805G>C (p.Gly602Ala)

Gene: GABBR2 (gamma-aminobutyric acid type B receptor subunit 2; minus strand). Cytogenetic location: 9q22.33.
Variant type: single nucleotide variant.
Coding change: c.1805G>C on transcript NM_005458.8 (MANE Select); coding-DNA position 1805, G replaced by C.
Protein change: p.Gly602Ala; replaces glycine 602 with alanine.
Molecular consequence: missense variant.
Genome position (GRCh38, 1-based): chr9:98,362,803, C>G on the plus strand (G>C on the coding strand, the complement: GABBR2 is on the minus strand). VCF-style: chr9-98362803-C-G. GRCh37 (hg19) VCF-style: chr9-101125085-C-G.
Other names: short protein forms G602A.
Identifiers: ClinVar variation 462128 (VCV000462128.10), dbSNP rs1554695160, ClinGen allele CA374212469.
Genomic context (GRCh38, chr9:98,362,803, plus strand): 5'-CGCAGGGGGTCCACAGCCTGCCAGCAGATCAGGATACACAGGTCGATCAGCAGCATGCCC[C>G]CCACGATCACAAGCAGTTTCTGGTCCTTGATGATCTACAGAGCGGGAAGGAGCAGAGGGG-3'
Protein context (NP_005449.5, residues 592-612): IKDQKLLVIV[Gly602Ala]GMLLIDLCIL

ClinVar aggregate classification (germline): Uncertain significance. Review status: criteria provided, multiple submitters, no conflicts (2 of 4 stars). 2 submissions from 2 submitters: Uncertain significance (2). Last evaluated 2025-09-06.

Conditions:
Epileptic encephalopathy. Identifiers: MedGen C0543888, HP:0200134.

Allele frequency attached by ClinVar (database versions not stated): gnomAD exomes below 0.00001.
gnomAD v4.1: 2 of 1,597,616 alleles (0.00013%); highest among the groups gnomAD compares: Non-Finnish European, 0.00017%; no homozygotes.

Submissions (2):

GeneDx
Classification: Uncertain significance. Last evaluated: 2025-09-06. Review status: criteria provided, single submitter. Criteria: GeneDx Variant Classification Process June 2021. Collection method: clinical testing. Allele origin: germline.
Comment: Not observed at significant frequency in large population cohorts (gnomAD); In silico analysis supports that this missense variant has a deleterious effect on protein structure/function; Has not been previously published as pathogenic or benign to our knowledge

Labcorp Genetics (formerly Invitae), Labcorp
Classification: Uncertain significance for Epileptic encephalopathy. Last evaluated: 2020-04-05. Review status: criteria provided, single submitter. Criteria: Invitae Variant Classification Sherloc (09022015). Collection method: clinical testing. Allele origin: germline.
Comment: This sequence change replaces glycine with alanine at codon 602 of the GABBR2 protein (p.Gly602Ala). The glycine residue is highly conserved and there is a small physicochemical difference between glycine and alanine. In summary, the available evidence is currently insufficient to determine the role of this variant in disease. Therefore, it has been classified as a Variant of Uncertain Significance. Algorithms developed to predict the effect of missense changes on protein structure and function do not agree on the potential impact of this missense change (SIFT: "Deleterious"; PolyPhen-2: "Possibly Damaging"; Align-GVGD: "Class C0"). This variant has not been reported in the literature in individuals with GABBR2-related disease. This variant is not present in population databases (ExAC no frequency).